The following is an entry in ClinVar:

ClinVar aggregate classification (germline): Uncertain significance (1 of 4 stars; one submission).

Conditions:
Autosomal dominant childhood-onset proximal spinal muscular atrophy with contractures (SMALED2A). Also called: Spinal muscular atrophy, lower extremity-predominant, 2A, autosomal dominant; SPINAL MUSCULAR ATROPHY, LOWER EXTREMITY-PREDOMINANT, 2A, CHILDHOOD ONSET, AUTOSOMAL DOMINANT. Identifiers: Orphanet 363447, Orphanet 363454, MedGen C4747715, MONDO:0014121, OMIM 615290.

gnomAD v4.1: 1 of 1,614,206 alleles (0.000062%); highest among the groups gnomAD compares: East Asian, 0.0022%; no homozygotes.

Submission:

Labcorp Genetics (formerly Invitae), Labcorp
Classification: Uncertain significance for Autosomal dominant childhood-onset proximal spinal muscular atrophy with contractures. Last evaluated: 2025-09-24. Review status: criteria provided, single submitter. Criteria: Invitae Variant Classification Sherloc (09022015). Collection method: clinical testing. Allele origin: germline.
Comment: This sequence change replaces glutamic acid, which is acidic and polar, with lysine, which is basic and polar, at codon 174 of the BICD2 protein (p.Glu174Lys). This variant is not present in population databases (gnomAD no frequency). This variant has not been reported in the literature in individuals affected with BICD2-related conditions. Invitae Evidence Modeling of protein sequence and biophysical properties (such as structural, functional, and spatial information, amino acid conservation, physicochemical variation, residue mobility, and thermodynamic stability) indicates that this missense variant is expected to disrupt BICD2 protein function with a positive predictive value of 80%. In summary, the available evidence is currently insufficient to determine the role of this variant in disease. Therefore, it has been classified as a Variant of Uncertain Significance.

NM_001003800.2(BICD2):c.520G>A (p.Glu174Lys)

Gene: BICD2 (BICD cargo adaptor 2; minus strand). Cytogenetic location: 9q22.31.
Variant type: single nucleotide variant.
Coding change: c.520G>A on transcript NM_001003800.2 (MANE Select); coding-DNA position 520, G replaced by A.
Protein change: p.Glu174Lys; replaces glutamic acid 174 with lysine.
Molecular consequence: missense variant.
Genome position (GRCh38, 1-based): chr9:92,722,742, C>T on the plus strand (G>A on the coding strand, the complement: BICD2 is on the minus strand). VCF-style: chr9-92722742-C-T. GRCh37 (hg19) VCF-style: chr9-95485024-C-T.
Other names: c.520G>A, p.Glu174Lys (NM_015250.4); short protein forms E174K.
Identifiers: ClinVar variation 4779135 (VCV004779135.1).